The following is an entry in ClinVar:

ClinVar aggregate classification (germline): Uncertain significance (1 of 4 stars; one submission).

Conditions:
Pyogenic arthritis-pyoderma gangrenosum-acne syndrome (PAPA). Also called: PAPA SYNDROME; FAMILIAL RECURRENT ARTHRITIS. Identifiers: Orphanet 69126, MedGen C1858361, MONDO:0011462, OMIM 604416.

Allele frequency attached by ClinVar (database versions not stated): gnomAD exomes below 0.00001; ExAC 0.00001.
gnomAD v4.1: 1 of 1,612,650 alleles (0.000062%); highest among the groups gnomAD compares: Admixed American, 0.0017%; no homozygotes.

Submission:

Labcorp Genetics (formerly Invitae), Labcorp
Classification: Uncertain significance for Pyogenic arthritis-pyoderma gangrenosum-acne syndrome. Last evaluated: 2020-02-21. Review status: criteria provided, single submitter. Criteria: Invitae Variant Classification Sherloc (09022015). Collection method: clinical testing. Allele origin: germline.
Comment: This sequence change replaces isoleucine with asparagine at codon 269 of the PSTPIP1 protein (p.Ile269Asn). The isoleucine residue is highly conserved and there is a large physicochemical difference between isoleucine and asparagine. The frequency data for this variant in the population databases is considered unreliable, as metrics indicate poor data quality at this position in the ExAC database. In summary, the available evidence is currently insufficient to determine the role of this variant in disease. Therefore, it has been classified as a Variant of Uncertain Significance. This variant has not been reported in the literature in individuals with PSTPIP1-related conditions. Algorithms developed to predict the effect of missense changes on protein structure and function are either unavailable or do not agree on the potential impact of this missense change (SIFT: "Deleterious"; PolyPhen-2: "Probably Damaging"; Align-GVGD: "Class C0").

NM_003978.5(PSTPIP1):c.806T>A (p.Ile269Asn)

Gene: PSTPIP1 (proline-serine-threonine phosphatase interacting protein 1; plus strand). Cytogenetic location: 15q24.3.
Variant type: single nucleotide variant.
Coding change: c.806T>A on transcript NM_003978.5 (MANE Select); coding-DNA position 806, T replaced by A.
Protein change: p.Ile269Asn; replaces isoleucine 269 with asparagine.
Molecular consequence: missense variant.
Genome position (GRCh38, 1-based): chr15:77,032,362, T>A. VCF-style: chr15-77032362-T-A. GRCh37 (hg19) VCF-style: chr15-77324703-T-A.
Other names: c.806T>A, p.Ile269Asn (NM_001321135.2); c.779T>A, p.Ile260Asn (NM_001321136.2); c.1001T>A, p.Ile334Asn (NM_001321137.1); short protein forms I260N, I269N, I334N.
Identifiers: ClinVar variation 1003913 (VCV001003913.9), dbSNP rs770215969, ClinGen allele CA7675988.